The following is an entry in ClinVar:

NM_001365951.3(KIF1B):c.3608A>C (p.His1203Pro)

Gene: KIF1B (kinesin family member 1B; plus strand). Cytogenetic location: 1p36.22.
Variant type: single nucleotide variant.
Coding change: c.3608A>C on transcript NM_001365951.3 (MANE Select); coding-DNA position 3608, A replaced by C.
Protein change: p.His1203Pro; replaces histidine 1203 with proline.
Molecular consequence: missense variant.
Genome position (GRCh38, 1-based): chr1:10,342,144, A>C. VCF-style: chr1-10342144-A-C. GRCh37 (hg19) VCF-style: chr1-10402202-A-C.
Other names: c.3608A>C, p.His1203Pro (NM_001365952.1); c.3470A>C, p.His1157Pro (NM_015074.3); short protein forms H1203P, H1157P.
Identifiers: ClinVar variation 2625709 (VCV002625709.2), dbSNP rs776290075, ClinGen allele CA338341907.

ClinVar aggregate classification (germline): Uncertain significance (1 of 4 stars; one submission).

Allele frequency attached by ClinVar (database versions not stated): gnomAD exomes below 0.00001.
gnomAD v4.1: 1 of 1,611,264 alleles (0.000062%); highest among the groups gnomAD compares: Admixed American, 0.0017%; no homozygotes.

Submission:

Ambry Genetics
Classification: Uncertain significance. Last evaluated: 2023-07-15. Review status: criteria provided, single submitter. Criteria: Ambry Variant Classification Scheme 2023. Collection method: clinical testing. Allele origin: germline.
Comment: The p.H1157P variant (also known as c.3470A>C), located in coding exon 30 of the KIF1B gene, results from an A to C substitution at nucleotide position 3470. The histidine at codon 1157 is replaced by proline, an amino acid with similar properties. This amino acid position is conserved. In addition, the in silico prediction for this alteration is inconclusive. Since supporting evidence is limited at this time, the clinical significance of this alteration remains unclear.